The following is an entry in ClinVar:

ClinVar aggregate classification (germline): Uncertain significance (1 of 4 stars; one submission).

Submission:

Labcorp Genetics (formerly Invitae), Labcorp
Classification: Uncertain significance. Last evaluated: 2022-02-22. Review status: criteria provided, single submitter. Criteria: Invitae Variant Classification Sherloc (09022015). Collection method: clinical testing. Allele origin: germline.
Comment: In summary, the available evidence is currently insufficient to determine the role of this variant in disease. Therefore, it has been classified as a Variant of Uncertain Significance. Algorithms developed to predict the effect of missense changes on protein structure and function are either unavailable or do not agree on the potential impact of this missense change (SIFT: "Not Available"; PolyPhen-2: "Probably Damaging"; Align-GVGD: "Not Available"). This variant has not been reported in the literature in individuals affected with UNC80-related conditions. This variant is not present in population databases (gnomAD no frequency). This sequence change replaces phenylalanine with serine at codon 1472 of the UNC80 protein (p.Phe1472Ser). The phenylalanine residue is weakly conserved and there is a large physicochemical difference between phenylalanine and serine.

NM_001371986.1(UNC80):c.4613T>C (p.Phe1538Ser)

Gene: UNC80 (unc-80 subunit of NALCN channel complex; plus strand). Cytogenetic location: 2q34.
Variant type: single nucleotide variant.
Coding change: c.4613T>C on transcript NM_001371986.1 (MANE Select); coding-DNA position 4613, T replaced by C.
Protein change: p.Phe1538Ser; replaces phenylalanine 1538 with serine.
Molecular consequence: missense variant.
Genome position (GRCh38, 1-based): chr2:209,904,796, T>C. VCF-style: chr2-209904796-T-C. GRCh37 (hg19) VCF-style: chr2-210769520-T-C.
Other names: c.4415T>C, p.Phe1472Ser (NM_032504.2); c.4400T>C, p.Phe1467Ser (NM_182587.4); short protein forms F1538S, F1467S, F1472S.
Identifiers: ClinVar variation 1447576 (VCV001447576.6), dbSNP rs2124930829, ClinGen allele CA350754864.